The following is an entry in ClinVar:

ClinVar aggregate classification (germline): Uncertain significance (1 of 4 stars; one submission).

Allele frequency attached by ClinVar (database versions not stated): gnomAD exomes 0.00001; TOPMed 0.00001.
gnomAD v4.1: 26 of 1,612,494 alleles (0.0016%); highest among the groups gnomAD compares: Middle Eastern, 0.066%; no homozygotes.

Submission:

Labcorp Genetics (formerly Invitae), Labcorp
Classification: Uncertain significance. Last evaluated: 2022-05-15. Review status: criteria provided, single submitter. Criteria: Invitae Variant Classification Sherloc (09022015). Collection method: clinical testing. Allele origin: germline.
Comment: Algorithms developed to predict the effect of missense changes on protein structure and function are either unavailable or do not agree on the potential impact of this missense change (SIFT: "Deleterious"; PolyPhen-2: "Possibly Damaging"; Align-GVGD: "Class C15"). In summary, the available evidence is currently insufficient to determine the role of this variant in disease. Therefore, it has been classified as a Variant of Uncertain Significance. This variant has not been reported in the literature in individuals affected with TBC1D32-related conditions. This variant is present in population databases (rs200717925, gnomAD 0.003%). This sequence change replaces lysine, which is basic and polar, with methionine, which is neutral and non-polar, at codon 893 of the TBC1D32 protein (p.Lys893Met).

NM_152730.6(TBC1D32):c.2678A>T (p.Lys893Met)

Gene: TBC1D32 (TBC1 domain family member 32; minus strand). Cytogenetic location: 6q22.31.
Variant type: single nucleotide variant.
Coding change: c.2678A>T on transcript NM_152730.6 (MANE Select); coding-DNA position 2678, A replaced by T.
Protein change: p.Lys893Met; replaces lysine 893 with methionine.
Molecular consequence: missense variant. On other transcripts: non-coding transcript variant (1).
Genome position (GRCh38, 1-based): chr6:121,160,949, T>A on the plus strand (A>T on the coding strand, the complement: TBC1D32 is on the minus strand). VCF-style: chr6-121160949-T-A. GRCh37 (hg19) VCF-style: chr6-121482095-T-A.
Other names: c.2801A>T, p.Lys934Met (NM_001367759.1, NM_001367760.1); short protein forms K893M, K934M.
Identifiers: ClinVar variation 1992112 (VCV001992112.4), dbSNP rs200717925, ClinGen allele CA146024006.